The following is an entry in ClinVar:

NM_152564.5(VPS13B):c.6979A>G (p.Ile2327Val)

Gene: VPS13B (vacuolar protein sorting 13 homolog B; plus strand). Cytogenetic location: 8q22.2.
Variant type: single nucleotide variant.
Coding change: c.6979A>G on transcript NM_152564.5 (MANE Select); coding-DNA position 6979, A replaced by G.
Protein change: p.Ile2327Val; replaces isoleucine 2327 with valine.
Molecular consequence: missense variant.
Genome position (GRCh38, 1-based): chr8:99,720,976, A>G. VCF-style: chr8-99720976-A-G. GRCh37 (hg19) VCF-style: chr8-100733204-A-G.
Other names: c.6979A>G (NM_152564.4); c.7054A>G, p.Ile2352Val (NM_017890.5); short protein forms I2352V, I2327V.
Identifiers: ClinVar variation 843746 (VCV000843746.9), dbSNP rs761504023, ClinGen allele CA4824123.

ClinVar aggregate classification (germline): Uncertain significance. Review status: criteria provided, multiple submitters, no conflicts (2 of 4 stars). 3 submissions from 3 submitters: Uncertain significance (2). 1 of the submissions does not count toward it. Last evaluated 2025-05-15.

Conditions:
Cohen syndrome (COH1). Also called: PEPPER SYNDROME; Cutis verticis gyrata, retinitis pigmentosa, and sensorineural deafness. Identifiers: Orphanet 193, MedGen C0265223, MONDO:0008999, OMIM 216550.
VPS13B-related disorder. Also called: VPS13B-related condition.

Allele frequency attached by ClinVar (database versions not stated): gnomAD exomes below 0.00001 and 0.00001; ExAC 0.00002; gnomAD 0.00004 and 0.00005; TOPMed 0.00004.
gnomAD v4.1: 13 of 1,613,950 alleles (0.00081%); highest among the groups gnomAD compares: African/African-American, 0.017%; no homozygotes.

Submissions (3):

PreventionGenetics, part of Exact Sciences
Classification: Uncertain significance for VPS13B-related condition. Last evaluated: 2025-05-15. Review status: criteria provided, single submitter. Criteria: ACMG Guidelines, 2015. Collection method: clinical testing. Allele origin: germline.
Comment: The VPS13B c.6979A>G variant is predicted to result in the amino acid substitution p.Ile2327Val. To our knowledge, this variant has not been reported in the literature. This variant is reported in 0.016% of alleles in individuals of African descent in gnomAD. At this time, the clinical significance of this variant is uncertain due to the absence of conclusive functional and genetic evidence.

Labcorp Genetics (formerly Invitae), Labcorp
Classification: Uncertain significance for Cohen syndrome. Last evaluated: 2023-11-28. Review status: criteria provided, single submitter. Criteria: Invitae Variant Classification Sherloc (09022015). Collection method: clinical testing. Allele origin: germline.
Comment: This sequence change replaces isoleucine, which is neutral and non-polar, with valine, which is neutral and non-polar, at codon 2352 of the VPS13B protein (p.Ile2352Val). This variant is present in population databases (rs761504023, gnomAD 0.02%). This variant has not been reported in the literature in individuals affected with VPS13B-related conditions. ClinVar contains an entry for this variant (Variation ID: 843746). Advanced modeling of protein sequence and biophysical properties (such as structural, functional, and spatial information, amino acid conservation, physicochemical variation, residue mobility, and thermodynamic stability) has been performed at Invitae for this missense variant, however the output from this modeling did not meet the statistical confidence thresholds required to predict the impact of this variant on VPS13B protein function. In summary, the available evidence is currently insufficient to determine the role of this variant in disease. Therefore, it has been classified as a Variant of Uncertain Significance.

Natera, Inc.
Classification: Uncertain significance for Cohen syndrome. Last evaluated: 2021-03-01. Review status: no assertion criteria provided. Collection method: clinical testing. Allele origin: germline. Not counted in ClinVar's aggregate classification.